The following is an entry in ClinVar:

NM_018249.6(CDK5RAP2):c.1772G>A (p.Arg591Gln)

Gene: CDK5RAP2 (CDK5 regulatory subunit associated protein 2; minus strand). Cytogenetic location: 9q33.2.
Variant type: single nucleotide variant.
Coding change: c.1772G>A on transcript NM_018249.6 (MANE Select); coding-DNA position 1772, G replaced by A.
Protein change: p.Arg591Gln; replaces arginine 591 with glutamine.
Molecular consequence: missense variant. On other transcripts: non-coding transcript variant (5).
Genome position (GRCh38, 1-based): chr9:120,471,834, C>T on the plus strand (G>A on the coding strand, the complement: CDK5RAP2 is on the minus strand). VCF-style: chr9-120471834-C-T. GRCh37 (hg19) VCF-style: chr9-123234112-C-T.
Other names: c.1772G>A, p.Arg591Gln (NM_001011649.3, NM_001272039.2); short protein forms R591Q.
Identifiers: ClinVar variation 374241 (VCV000374241.4), dbSNP rs749612238, ClinGen allele CA5214276.

ClinVar aggregate classification (germline): Uncertain significance. Review status: criteria provided, single submitter (1 of 4 stars). 2 submissions from 2 submitters: Uncertain significance (1). 1 of the submissions does not count toward it. Last evaluated 2022-11-01.

Conditions:
Congenital ocular coloboma. Also called: COLOBOMA OF IRIS, CHOROID, AND RETINA; COLOBOMA, UVEORETINAL; Coloboma of eye; Coloboma. Identifiers: Orphanet 194, MedGen C0009363, MONDO:0001476, HP:0000589.
Hypotonia. Also called: Muscular hypotonia; poor muscle tone. Identifiers: MedGen C0026827, HP:0001252.
intellectual deficiency. Identifiers: MedGen CN228659.

Allele frequency attached by ClinVar (database versions not stated): gnomAD exomes 0.00001 and 0.00002; ExAC 0.00002; gnomAD 0.00004 and 0.00003; TOPMed 0.00002.
gnomAD v4.1: 27 of 1,613,706 alleles (0.0017%); highest among the groups gnomAD compares: East Asian, 0.0022%; no homozygotes.

Submissions (2):

Labcorp Genetics (formerly Invitae), Labcorp
Classification: Uncertain significance. Last evaluated: 2022-11-01. Review status: criteria provided, single submitter. Criteria: Invitae Variant Classification Sherloc (09022015). Collection method: clinical testing. Allele origin: germline.
Comment: In summary, the available evidence is currently insufficient to determine the role of this variant in disease. Therefore, it has been classified as a Variant of Uncertain Significance. Algorithms developed to predict the effect of sequence changes on RNA splicing suggest that this variant may disrupt the consensus splice site. Algorithms developed to predict the effect of missense changes on protein structure and function (SIFT, PolyPhen-2, Align-GVGD) all suggest that this variant is likely to be disruptive. ClinVar contains an entry for this variant (Variation ID: 374241). This variant has not been reported in the literature in individuals affected with CDK5RAP2-related conditions. This variant is present in population databases (rs749612238, gnomAD 0.006%). This sequence change replaces arginine, which is basic and polar, with glutamine, which is neutral and polar, at codon 591 of the CDK5RAP2 protein (p.Arg591Gln).

Laboratory of Molecular Genetics, CHU Rennes
Classification: Uncertain significance for Intellectual deficiency; coloboma; hypotonia. Review status: no assertion criteria provided. Collection method: clinical testing. Allele origin: de novo. Affected: yes. Not counted in ClinVar's aggregate classification.